The following is an entry in ClinVar:

ClinVar aggregate classification (germline): Pathogenic (1 of 4 stars; one submission).

Conditions:
Diamond-Blackfan anemia. Also called: Blackfan Diamond syndrome; Aregenerative anemia chronic congenital; Red cell aplasia, pure hereditary; Congenital hypoplastic anemia; Aase syndrome. Identifiers: Orphanet 124, MedGen C1260899, MeSH D029503, MONDO:0015253, HP:0004810.
GATA binding protein 1 related thrombocytopenia with dyserythropoiesis. Also called: GATA1-Related Cytopenia; GATA1-Related X-Linked Cytopenia. Identifiers: MedGen C1845837, MONDO:0100089.

Submission:

Labcorp Genetics (formerly Invitae), Labcorp
Classification: Pathogenic for GATA binding protein 1 related thrombocytopenia with dyserythropoiesis; Diamond-Blackfan anemia. Last evaluated: 2025-10-21. Review status: criteria provided, single submitter. Criteria: Invitae Variant Classification Sherloc (09022015). Collection method: clinical testing. Allele origin: germline.
Comment: This sequence change creates a premature translational stop signal (p.Ala55Glyfs*7) in the GATA1 gene. It is expected to result in an absent or disrupted protein product. Loss-of-function variants in GATA1 are known to be pathogenic (PMID: 16783379, 22706301, 23704091, 24453067). This variant is not present in population databases (gnomAD no frequency). This variant has not been reported in the literature in individuals affected with GATA1-related conditions. For these reasons, this variant has been classified as Pathogenic.

Literature cited by the submitters: PubMed 16783379; PubMed 22706301; PubMed 23704091; PubMed 24453067.

NM_002049.4(GATA1):c.162_178del (p.Ala55fs)

Gene: GATA1 (GATA binding protein 1; plus strand). Cytogenetic location: Xp11.23.
Variant type: Deletion.
Coding change: c.162_178del on transcript NM_002049.4 (MANE Select); coding-DNA positions 162 to 178, 17 bases deleted (CGCTGCAGCTGCGGCAC).
Protein change: p.Ala55fs; shifts the reading frame from alanine 55.
Molecular consequence: frameshift variant.
Genome position (GRCh38, 1-based): chrX:48,791,271-48,791,287, CGCTGCAGCTGCGGCAC deleted; deleting any 17 consecutive bases within chrX:48,791,268-48,791,287 gives the same sequence; the c. name uses the placement nearest the transcript's 3' end. VCF-style (leftmost placement, unchanged base first): chrX-48791267-CCACCGCTGCAGCTGCGG-C. GRCh37 (hg19) VCF-style: chrX-48649674-CCACCGCTGCAGCTGCGG-C.
Other names: short protein forms A55fs.
Identifiers: ClinVar variation 4786484 (VCV004786484.1).